The following is an entry in ClinVar:

ClinVar aggregate classification (germline): Conflicting classifications of pathogenicity. Review status: criteria provided, conflicting classifications (1 of 4 stars). 3 submissions from 3 submitters: Uncertain significance (2); Likely benign (1). Last evaluated 2026-01-11.

Conditions:
Hereditary cancer-predisposing syndrome. Also called: Tumor predisposition; Hereditary Cancer Syndrome; Neoplastic Syndromes, Hereditary; Hereditary neoplastic syndrome. Identifiers: Orphanet 140162, MedGen C0027672, MeSH D009386, MONDO:0015356.
Ataxia-telangiectasia syndrome (AT). Also called: Ataxia telangiectasia (A-T); LOUIS-BAR SYNDROME; ATAXIA-TELANGIECTASIA, FRESNO VARIANT; Ataxia-telangiectasia; Ataxia-telangiectasia, complementation group E; Ataxia-telangiectasia, complementation group D. Identifiers: Orphanet 100, MedGen C0004135, MONDO:0008840, OMIM 208900.

Allele frequency attached by ClinVar (database versions not stated): TOPMed below 0.00001.

Submissions (3):

Labcorp Genetics (formerly Invitae), Labcorp
Classification: Uncertain significance for Ataxia-telangiectasia syndrome. Last evaluated: 2026-01-11. Review status: criteria provided, single submitter. Criteria: Invitae Variant Classification Sherloc (09022015). Collection method: clinical testing. Allele origin: germline.
Comment: This sequence change falls in intron 5 of the ATM gene. It does not directly change the encoded amino acid sequence of the ATM protein. It affects a nucleotide within the consensus splice site. This variant is not present in population databases (gnomAD no frequency). This variant has not been reported in the literature in individuals affected with ATM-related conditions. ClinVar contains an entry for this variant (Variation ID: 490596). Variants that disrupt the consensus splice site are a relatively common cause of aberrant splicing (PMID: 17576681, 9536098). Algorithms developed to predict the effect of sequence changes on RNA splicing suggest that this variant may disrupt the consensus splice site. In summary, the available evidence is currently insufficient to determine the role of this variant in disease. Therefore, it has been classified as a Variant of Uncertain Significance.

Ambry Genetics
Classification: Likely benign for Hereditary cancer-predisposing syndrome. Last evaluated: 2025-12-17. Review status: criteria provided, single submitter. Criteria: Ambry Variant Classification Scheme 2023. Collection method: clinical testing. Allele origin: germline.

Color Diagnostics, LLC DBA Color Health
Classification: Uncertain significance for Hereditary cancer-predisposing syndrome. Last evaluated: 2019-04-09. Review status: criteria provided, single submitter. Criteria: ACMG Guidelines, 2015. Collection method: clinical testing. Allele origin: germline.

Literature cited by the submitters: PubMed 17576681 (cited by Labcorp Genetics (formerly Invitae), Labcorp); PubMed 9536098 (cited by Labcorp Genetics (formerly Invitae), Labcorp).

NM_000051.4(ATM):c.497-3A>G

Gene: ATM (ATM serine/threonine kinase; plus strand). Cytogenetic location: 11q22.3.
Variant type: single nucleotide variant.
Coding change: c.497-3A>G on transcript NM_000051.4 (MANE Select); 3 bases into the intron before coding-DNA position 497, A replaced by G.
Molecular consequence: intron variant.
Genome position (GRCh38, 1-based): chr11:108,243,950, A>G. VCF-style: chr11-108243950-A-G. GRCh37 (hg19) VCF-style: chr11-108114677-A-G.
Other names: c.497-3A>G (NM_001351834.2).
Identifiers: ClinVar variation 490596 (VCV000490596.12), dbSNP rs1046559213, ClinGen allele CA228383706.